The following is an entry in ClinVar:

NM_000350.3(ABCA4):c.4359C>G (p.Tyr1453Ter)

Gene: ABCA4 (ATP binding cassette subfamily A member 4; minus strand). Cytogenetic location: 1p22.1.
Variant type: single nucleotide variant.
Coding change: c.4359C>G on transcript NM_000350.3 (MANE Select); coding-DNA position 4359, C replaced by G.
Protein change: p.Tyr1453Ter; replaces tyrosine 1453 with a stop codon.
Molecular consequence: nonsense.
Genome position (GRCh38, 1-based): chr1:94,029,625, G>C on the plus strand (C>G on the coding strand, the complement: ABCA4 is on the minus strand). VCF-style: chr1-94029625-G-C. GRCh37 (hg19) VCF-style: chr1-94495181-G-C.
Other names: c.4137C>G, p.Tyr1379Ter (NM_001425324.1); short protein forms Y1453*, Y1379*.
Identifiers: ClinVar variation 1076571 (VCV001076571.10), dbSNP rs192656357, ClinGen allele CA341285353.
Genomic context (GRCh38, chr1:94,029,625, plus strand): 5'-CAGCTGGGTGATGTTTGGGGACACAGAAGGAGTCTTCCAGGGTGTTGAGTTGCCACAGGG[G>C]TACTCCCTCATGGAAGACAAGAAAATATTCCATAATCAGCCTCAAAGTTGCTGACAAATC-3'

ClinVar aggregate classification (germline): Pathogenic/Likely pathogenic. Review status: criteria provided, multiple submitters, no conflicts (2 of 4 stars). 2 submissions from 2 submitters: Pathogenic (1); Likely pathogenic (1). Last evaluated 2022-06-24.

Conditions:
ABCA4-related disorder. Also called: ABCA4-related disorders; ABCA4-related condition. Identifiers: MedGen CN239167.

Submissions (2):

Blueprint Genetics
Classification: Likely pathogenic for ABCA4-related disorders. Last evaluated: 2022-06-24. Review status: criteria provided, single submitter. Criteria: ACMG Guidelines, 2015. Collection method: clinical testing. Allele origin: germline. Affected: yes. Observed: 1 variant allele.

Labcorp Genetics (formerly Invitae), Labcorp
Classification: Pathogenic. Last evaluated: 2020-06-30. Review status: criteria provided, single submitter. Criteria: Invitae Variant Classification Sherloc (09022015). Collection method: clinical testing. Allele origin: germline.
Comment: For these reasons, this variant has been classified as Pathogenic. Loss-of-function variants in ABCA4 are known to be pathogenic (PMID: 10958761, 24938718, 25312043, 26780318). This nonsense change has been observed in individual(s) with Stargardt disease (PMID: 26780318). This variant is not present in population databases (ExAC no frequency). This sequence change creates a premature translational stop signal (p.Tyr1453*) in the ABCA4 gene. It is expected to result in an absent or disrupted protein product.

Literature cited by the submitters: PubMed 10958761 (cited by Labcorp Genetics (formerly Invitae), Labcorp); PubMed 24938718 (cited by Labcorp Genetics (formerly Invitae), Labcorp); PubMed 25312043 (cited by Labcorp Genetics (formerly Invitae), Labcorp); PubMed 26780318 (cited by Labcorp Genetics (formerly Invitae), Labcorp).